The following is an entry in ClinVar:

NM_001039141.3(TRIOBP):c.3232dup (p.Arg1078fs)

Gene: TRIOBP (TRIO and F-actin binding protein; plus strand). Cytogenetic location: 22q13.1.
Variant type: Duplication.
Coding change: c.3232dup on transcript NM_001039141.3 (MANE Select); coding-DNA position 3232, one base duplicated (C; older notation c.3232dupC).
Protein change: p.Arg1078fs; shifts the reading frame from arginine 1078.
Molecular consequence: frameshift variant.
Genome position (GRCh38, 1-based): chr22:37,725,788, C duplicated; the last of 7 consecutive C bases (chr22:37,725,782-37,725,788); duplicating any one gives the same sequence. VCF-style (leftmost placement, unchanged base first): chr22-37725781-G-GC. GRCh37 (hg19) VCF-style: chr22-38121788-G-GC.
Other names: c.3232dupC (NM_001039141.3); c.3232dup (NM_001039141.2); short protein forms R1078fs.
Identifiers: ClinVar variation 1034395 (VCV001034395.7), dbSNP rs768625959, ClinGen allele CA10224063.

ClinVar aggregate classification (germline): Pathogenic. Review status: criteria provided, multiple submitters, no conflicts (2 of 4 stars). 5 submissions from 5 submitters: Pathogenic (4). 1 of the submissions does not count toward it. Last evaluated 2026-08-18.

Conditions:
TRIOBP-related disorder. Also called: TRIOBP-related condition.
Autosomal recessive nonsyndromic hearing loss 28. Identifiers: Orphanet 90636, MedGen C1853276, MONDO:0012355, OMIM 609823.
Rare genetic deafness. Identifiers: Orphanet 96210, MedGen C5680250.

Submissions (5):

PreventionGenetics, part of Exact Sciences
Classification: Pathogenic for TRIOBP-related condition. Last evaluated: 2026-08-18. Review status: criteria provided, single submitter. Criteria: ACMG Guidelines, 2015. Collection method: clinical testing. Allele origin: germline.
Comment: The TRIOBP c.3232dupC variant is predicted to result in a frameshift and premature protein termination (p.Arg1078Profs*6). This variant was reported in multiple individuals with nonsyndromic hearing loss (Riazuddin et al. 2006. PubMed ID: 16385457; Zazo Seco et al. 2016. PubMed ID: 28000701; Wesdorp et al. 2017. PubMed ID: 28089734; van Beeck Calkoen et al. 2019. PubMed ID: 31152317; Abu Rayyan et al. 2020. PubMed ID: 32747562). This variant is reported in 0.014% of alleles in individuals of East Asian descent in gnomAD. Frameshift variants in TRIOBP are expected to be pathogenic. This variant is interpreted as pathogenic.

GeneDx
Classification: Pathogenic. Last evaluated: 2024-02-27. Review status: criteria provided, single submitter. Criteria: GeneDx Variant Classification Process June 2021. Collection method: clinical testing. Allele origin: germline. Affected: yes.
Comment: Frameshift variant predicted to result in protein truncation or nonsense mediated decay in a gene for which loss of function is a known mechanism of disease; This variant is associated with the following publications: (PMID: 32747562, 16385457, 31152317, 28000701, 28089734)

Laboratory for Molecular Medicine, Mass General Brigham Personalized Medicine
Classification: Pathogenic for Rare genetic deafness. Last evaluated: 2022-11-03. Review status: criteria provided, single submitter. Criteria: ACMG Guidelines, 2015. Collection method: clinical testing. Allele origin: germline.
Comment: The p.Arg1078ProfsX6 variant in TRIOBP has been reported in the homozygous state in 4 members of a consanguineous Pakistani kindred and in 3 families from India as well as in the compound heterozygous state (with another loss-of-function variant) in at least 1 individual with hearing loss (Abu Rayyan 2020 PMID: 32747562, Riazuddin 2006 PMID: 16385457, van Beeck Calkoen 2019 PMID: 31152317, Zazo Seco 2017 PMID: 28000701, Wesdorp 2017 PMID: 28089734). It has also been reported in ClinVar (Variation ID 1034395). This variant has been identified in 5/30350 European chromosomes by gnomAD. This variant is predicted to cause a frameshift, which alters the protein’s amino acid sequence beginning at position 1078 and leads to a premature termination codon 6 amino acids downstream. This alteration is then predicted to lead to a truncated or absent protein. Loss of function of the TRIOBP gene is an established disease mechanism in autosomal recessive hearing loss. In summary, this variant meets criteria to be classified as pathogenic for autosomal recessive hearing loss. ACMG/AMP Criteria applied: PM2_Supporting, PM3, PVS1.

Juno Genomics, Hangzhou Juno Genomics, Inc
Classification: Pathogenic for Autosomal recessive nonsyndromic hearing loss 28. Review status: criteria provided, single submitter. Criteria: ACMG Guidelines, 2015. Collection method: clinical testing. Allele origin: germline.
Comment: Absent from controls (or at extremely low frequency if recessive) in Genome Aggregation Database.;Null variant in a gene where loss of function (LOF) is a known mechanism of disease.;For recessive disorders, detected in trans with a pathogenic variant.

OMIM
Classification: Pathogenic for DEAFNESS, AUTOSOMAL RECESSIVE 28. Last evaluated: 2006-01-01. Review status: no assertion criteria provided. Collection method: literature only. Allele origin: germline. Not counted in ClinVar's aggregate classification.

Literature cited by the submitters: PubMed 16385457 (cited by OMIM).